The following is an entry in ClinVar:

NM_177438.3(DICER1):c.38G>A (p.Gly13Asp)

Gene: DICER1 (dicer 1, ribonuclease III; minus strand). Cytogenetic location: 14q32.13.
Variant type: single nucleotide variant.
Coding change: c.38G>A on transcript NM_177438.3 (MANE Select); coding-DNA position 38, G replaced by A.
Protein change: p.Gly13Asp; replaces glycine 13 with aspartic acid.
Molecular consequence: missense variant.
Genome position (GRCh38, 1-based): chr14:95,133,421, C>T on the plus strand (G>A on the coding strand, the complement: DICER1 is on the minus strand). VCF-style: chr14-95133421-C-T. GRCh37 (hg19) VCF-style: chr14-95599758-C-T.
Other names: c.38G>A, p.Gly13Asp (NM_001195573.1, NM_001271282.3, NM_001291628.2 and 1 more transcripts); short protein forms G13D.
Identifiers: ClinVar variation 412084 (VCV000412084.14), dbSNP rs1060503610, ClinGen allele CA16614734.

ClinVar aggregate classification (germline): Uncertain significance. Review status: criteria provided, multiple submitters, no conflicts (2 of 4 stars). 2 submissions from 2 submitters: Uncertain significance (2). Last evaluated 2024-06-03.

Conditions:
Hereditary cancer-predisposing syndrome. Also called: Hereditary neoplastic syndrome; Neoplastic Syndromes, Hereditary; Tumor predisposition; Hereditary Cancer Syndrome. Identifiers: Orphanet 140162, MedGen C0027672, MeSH D009386, MONDO:0015356.
DICER1-related tumor predisposition. Also called: DICER1-related pleuropulmonary blastoma cancer predisposition syndrome; DICER1 syndrome. Identifiers: Orphanet 284343, MedGen C3839822, MONDO:0100216.

gnomAD v4.1: 1 of 1,613,988 alleles (0.000062%); highest among the groups gnomAD compares: Non-Finnish European, 0.000085%; no homozygotes.

Submissions (2):

Labcorp Genetics (formerly Invitae), Labcorp
Classification: Uncertain significance for DICER1-related tumor predisposition. Last evaluated: 2024-06-03. Review status: criteria provided, single submitter. Criteria: Invitae Variant Classification Sherloc (09022015). Collection method: clinical testing. Allele origin: germline.
Comment: This sequence change replaces glycine, which is neutral and non-polar, with aspartic acid, which is acidic and polar, at codon 13 of the DICER1 protein (p.Gly13Asp). This variant is not present in population databases (gnomAD no frequency). This variant has not been reported in the literature in individuals affected with DICER1-related conditions. ClinVar contains an entry for this variant (Variation ID: 412084). An algorithm developed to predict the effect of missense changes on protein structure and function (PolyPhen-2) suggests that this variant is likely to be disruptive. In summary, the available evidence is currently insufficient to determine the role of this variant in disease. Therefore, it has been classified as a Variant of Uncertain Significance.

Ambry Genetics
Classification: Uncertain significance for Hereditary cancer-predisposing syndrome. Last evaluated: 2021-05-21. Review status: criteria provided, single submitter. Criteria: Ambry Variant Classification Scheme 2023. Collection method: clinical testing. Allele origin: germline.
Comment: The p.G13D variant (also known as c.38G>A), located in coding exon 1 of the DICER1 gene, results from a G to A substitution at nucleotide position 38. The glycine at codon 13 is replaced by aspartic acid, an amino acid with similar properties. This amino acid position is highly conserved in available vertebrate species. In addition, the in silico prediction for this alteration is inconclusive. Since supporting evidence is limited at this time, the clinical significance of this alteration remains unclear.